The following is an entry in ClinVar:

ClinVar aggregate classification (germline): Uncertain significance (1 of 4 stars; one submission).

Conditions:
Inborn genetic diseases. Identifiers: MedGen C0950123, MeSH D030342.

Submission:

Ambry Genetics
Classification: Uncertain significance for Inborn genetic diseases. Last evaluated: 2026-01-22. Review status: criteria provided, single submitter. Criteria: Ambry Variant Classification Scheme 2023. Collection method: clinical testing. Allele origin: germline.
Comment: The p.Y1118D variant (also known as c.3352T>G), located in coding exon 1 of the SAMD9 gene, results from a T to G substitution at nucleotide position 3352. The tyrosine at codon 1118 is replaced by aspartic acid, an amino acid with highly dissimilar properties. This amino acid position is conserved. In addition, the in silico prediction for this alteration is inconclusive. Based on the available evidence, the clinical significance of this variant remains unclear.

NM_017654.4(SAMD9):c.3352T>G (p.Tyr1118Asp)

Gene: SAMD9 (sterile alpha motif domain containing 9; minus strand). Cytogenetic location: 7q21.2.
Variant type: single nucleotide variant.
Coding change: c.3352T>G on transcript NM_017654.4 (MANE Select); coding-DNA position 3352, T replaced by G.
Protein change: p.Tyr1118Asp; replaces tyrosine 1118 with aspartic acid.
Molecular consequence: missense variant.
Genome position (GRCh38, 1-based): chr7:93,102,746, A>C on the plus strand (T>G on the coding strand, the complement: SAMD9 is on the minus strand). VCF-style: chr7-93102746-A-C. GRCh37 (hg19) VCF-style: chr7-92732059-A-C.
Other names: c.3352T>G, p.Tyr1118Asp (NM_001193307.2); short protein forms Y1118D.
Identifiers: ClinVar variation 4824682 (VCV004824682.1).